The following is an entry in ClinVar:

ClinVar aggregate classification (germline): Uncertain significance (1 of 4 stars; one submission).

Conditions:
Distal hereditary motor neuropathy type 2. Identifiers: Orphanet 139525, MedGen C3711384, MeSH C580044, MONDO:0015352.

Allele frequency attached by ClinVar (database versions not stated): gnomAD exomes below 0.00001 and 0.00001; TOPMed below 0.00001.
gnomAD v4.1: 5 of 1,613,922 alleles (0.00031%); highest among the groups gnomAD compares: Non-Finnish European, 0.00034%; no homozygotes.

Submission:

Labcorp Genetics (formerly Invitae), Labcorp
Classification: Uncertain significance for Distal hereditary motor neuropathy type 2. Last evaluated: 2021-10-19. Review status: criteria provided, single submitter. Criteria: Invitae Variant Classification Sherloc (09022015). Collection method: clinical testing. Allele origin: germline.
Comment: In summary, the available evidence is currently insufficient to determine the role of this variant in disease. Therefore, it has been classified as a Variant of Uncertain Significance. Algorithms developed to predict the effect of sequence changes on RNA splicing suggest that this variant may create or strengthen a splice site. Algorithms developed to predict the effect of missense changes on protein structure and function are either unavailable or do not agree on the potential impact of this missense change (SIFT: "Deleterious"; PolyPhen-2: "Probably Damaging"; Align-GVGD: "Class C0"). This variant has not been reported in the literature in individuals affected with FBXO38-related conditions. This variant is not present in population databases (ExAC no frequency). This sequence change replaces lysine with arginine at codon 341 of the FBXO38 protein (p.Lys341Arg). The lysine residue is moderately conserved and there is a small physicochemical difference between lysine and arginine.

NM_205836.3(FBXO38):c.1022A>G (p.Lys341Arg)

Gene: FBXO38 (F-box protein 38; plus strand). Cytogenetic location: 5q32.
Variant type: single nucleotide variant.
Coding change: c.1022A>G on transcript NM_205836.3 (MANE Select); coding-DNA position 1022, A replaced by G.
Protein change: p.Lys341Arg; replaces lysine 341 with arginine.
Molecular consequence: missense variant.
Genome position (GRCh38, 1-based): chr5:148,410,694, A>G. VCF-style: chr5-148410694-A-G. GRCh37 (hg19) VCF-style: chr5-147790257-A-G.
Other names: c.1022A>G, p.Lys341Arg (NM_001271723.2, NM_030793.5); short protein forms K341R.
Identifiers: ClinVar variation 1433252 (VCV001433252.6), dbSNP rs889149643, ClinGen allele CA128973186.
Genomic context (GRCh38, chr5:148,410,694, plus strand): 5'-GGTTACATGAAGTTCGGATCCAGCCTTCCCTAACCAAAGATGGTGTCTTTTCTGCCCTAA[A>G]GATGGCAGAGTTGGAGTTTCCCCAGTTTGAAACCCTTCATCTAGGATATGTAGATGAGTT-3'
Protein context (NP_995308.1, residues 331-351): LTKDGVFSAL[Lys341Arg]MAELEFPQFE